The following is an entry in ClinVar:

NM_139076.3(ABRAXAS1):c.176T>C (p.Ile59Thr)

Gene: ABRAXAS1 (abraxas 1, BRCA1 A complex subunit; minus strand). Cytogenetic location: 4q21.23.
Variant type: single nucleotide variant.
Coding change: c.176T>C on transcript NM_139076.3 (MANE Select); coding-DNA position 176, T replaced by C.
Protein change: p.Ile59Thr; replaces isoleucine 59 with threonine.
Molecular consequence: missense variant. On other transcripts: 5 prime UTR variant (1).
Genome position (GRCh38, 1-based): chr4:83,482,156, A>G on the plus strand (T>C on the coding strand, the complement: ABRAXAS1 is on the minus strand). VCF-style: chr4-83482156-A-G. GRCh37 (hg19) VCF-style: chr4-84403309-A-G.
Other names: c.176T>C (NM_139076.2); c.-85T>C (NM_001345962.2); short protein forms I59T.
Identifiers: ClinVar variation 830301 (VCV000830301.6), dbSNP rs772825230, ClinGen allele CA2990637.

ClinVar aggregate classification (germline): Uncertain significance. Review status: criteria provided, multiple submitters, no conflicts (2 of 4 stars). 3 submissions from 3 submitters: Uncertain significance (3). Last evaluated 2025-04-27.

Conditions:
Hereditary breast ovarian cancer syndrome. Also called: Hereditary breast and/or ovarian cancer syndrome; Hereditary breast and ovarian cancer syndrome (HBOC); Breast and ovarian cancer; Hereditary breast and ovarian cancer; BRCA1- and BRCA2-Associated Hereditary Breast and Ovarian Cancer; Hereditary breast and ovarian cancer syndrome. Identifiers: Orphanet 145, MedGen C0677776, MeSH D061325, MONDO:0003582. Disease mechanism: loss of function.

Submissions (3):

Labcorp Genetics (formerly Invitae), Labcorp
Classification: Uncertain significance. Last evaluated: 2025-04-27. Review status: criteria provided, single submitter. Criteria: Invitae Variant Classification Sherloc (09022015). Collection method: clinical testing. Allele origin: germline.
Comment: This sequence change replaces isoleucine, which is neutral and non-polar, with threonine, which is neutral and polar, at codon 59 of the ABRAXAS1 protein (p.Ile59Thr). This variant is present in population databases (rs772825230, gnomAD 0.01%). This variant has not been reported in the literature in individuals affected with ABRAXAS1-related conditions. ClinVar contains an entry for this variant (Variation ID: 830301). An algorithm developed to predict the effect of missense changes on protein structure and function (PolyPhen-2) suggests that this variant is likely to be disruptive. In summary, the available evidence is currently insufficient to determine the role of this variant in disease. Therefore, it has been classified as a Variant of Uncertain Significance.

Ambry Genetics
Classification: Uncertain significance. Last evaluated: 2024-06-19. Review status: criteria provided, single submitter. Criteria: Ambry Variant Classification Scheme 2023. Collection method: clinical testing. Allele origin: germline.

Cancer Genomics Group, Japanese Foundation For Cancer Research
Classification: Uncertain significance for Hereditary breast and ovarian cancer syndrome. Last evaluated: 2019-05-01. Review status: criteria provided, single submitter. Criteria: ACMG Guidelines, 2015. Collection method: research. Allele origin: germline. Affected: yes.